The following is an entry in ClinVar:

NM_000742.4(CHRNA2):c.-379T>C

Gene: CHRNA2 (cholinergic receptor nicotinic alpha 2 subunit; minus strand). Cytogenetic location: 8p21.2.
Variant type: single nucleotide variant.
Coding change: c.-379T>C on transcript NM_000742.4 (MANE Select); 379 bases upstream of the start codon, T replaced by C.
Molecular consequence: 5 prime UTR variant.
Genome position (GRCh38, 1-based): chr8:27,479,066, A>G on the plus strand (T>C on the coding strand, the complement: CHRNA2 is on the minus strand). VCF-style: chr8-27479066-A-G. GRCh37 (hg19) VCF-style: chr8-27336583-A-G.
Other names: c.-379T>C (NM_001282455.2); c.-806T>C (NM_001347705.2); c.-851T>C (NM_001347706.2); c.-852T>C (NM_001347707.2); c.-840T>C (NM_001347708.2).
Identifiers: ClinVar variation 362705 (VCV000362705.6), dbSNP rs75861520, ClinGen allele CA10630792.

ClinVar aggregate classification (germline): Benign/Likely benign. Review status: criteria provided, multiple submitters, no conflicts (2 of 4 stars). 2 submissions from 2 submitters: Benign (1); Likely benign (1). Last evaluated 2021-12-16.

Conditions:
Autosomal dominant nocturnal frontal lobe epilepsy 4. Also called: EPILEPSY, FAMILIAL, WITH NOCTURNAL WANDERING AND ICTAL FEAR; CHRNA2-Related Nocturnal Frontal Lobe Epilepsy, Autosomal Dominant. Identifiers: Orphanet 98784, MedGen C1835905, MONDO:0012474, OMIM 610353.

Allele frequency attached by ClinVar (database versions not stated): 1000 Genomes Project 30x 0.00141; 1000 Genomes Project 0.00160; TOPMed 0.00184; gnomAD 0.00323 and 0.00327.

Submissions (2):

GeneDx
Classification: Likely benign. Last evaluated: 2021-12-16. Review status: criteria provided, single submitter. Criteria: GeneDx Variant Classification Process June 2021. Collection method: clinical testing. Allele origin: germline. Affected: yes.
Comment: See Variant Classification Assertion Criteria.

Illumina Laboratory Services, Illumina
Classification: Benign for Autosomal dominant nocturnal frontal lobe epilepsy 4. Last evaluated: 2018-01-12. Review status: criteria provided, single submitter. Criteria: ICSL Variant Classification Criteria 13 December 2019. Collection method: clinical testing. Allele origin: germline.
Comment: This variant was observed in the ICSL laboratory as part of a predisposition screen in an ostensibly healthy population. It had not been previously curated by ICSL or reported in the Human Gene Mutation Database (HGMD: prior to June 1st, 2018), and was therefore a candidate for classification through an automated scoring system. Utilizing variant allele frequency, disease prevalence and penetrance estimates, and inheritance mode, an automated score was calculated to assess if this variant is too frequent to cause the disease. Based on the score and internal cut-off values, a variant classified as benign is not then subjected to further curation. The score for this variant resulted in a classification of benign for this disease.